The following is an entry in ClinVar:

ClinVar aggregate classification (germline): Likely pathogenic (1 of 4 stars; one submission).

Conditions:
Hereditary cancer-predisposing syndrome. Also called: Neoplastic Syndromes, Hereditary; Tumor predisposition; Hereditary neoplastic syndrome; Hereditary Cancer Syndrome. Identifiers: Orphanet 140162, MedGen C0027672, MeSH D009386, MONDO:0015356.

Submission:

Ambry Genetics
Classification: Likely pathogenic for Hereditary cancer-predisposing syndrome. Last evaluated: 2026-07-10. Review status: criteria provided, single submitter. Criteria: Ambry Variant Classification Scheme 2023. Collection method: clinical testing. Allele origin: germline.
Comment: The c.3917_3938del22 variant, located in coding exon 9 of the MSH6 gene, results from a deletion of 22 nucleotides at nucleotide positions 3917 to 3938, causing a translational frameshift with a predicted alternate stop codon (p.A1306Vfs*14). This variant occurs at the 3' terminus of the gene, is not expected to trigger nonsense-mediated mRNA decay, and impacts the last 4% of the protein. However, premature stop codons are typically deleterious in nature, and the impacted region is critical for protein function (Ambry internal data). This variant is considered to be rare based on population cohorts in the Genome Aggregation Database (gnomAD). Based on the majority of available evidence to date, this variant is likely to be pathogenic.

NM_000179.3(MSH6):c.3917_3938del (p.Ala1306fs)

Gene: MSH6 (mutS homolog 6; plus strand). Cytogenetic location: 2p16.3.
Variant type: Deletion.
Coding change: c.3917_3938del on transcript NM_000179.3 (MANE Select); coding-DNA positions 3917 to 3938, 22 bases deleted (CTAATCTCCCAGAGGAAGTTAT).
Protein change: p.Ala1306fs; shifts the reading frame from alanine 1306.
Molecular consequence: frameshift variant. On other transcripts: non-coding transcript variant (5), intron variant (1).
Genome position (GRCh38, 1-based): chr2:47,806,567-47,806,588, CTAATCTCCCAGAGGAAGTTAT deleted. VCF-style (leftmost placement, unchanged base first): chr2-47806566-GCTAATCTCCCAGAGGAAGTTAT-G. GRCh37 (hg19) VCF-style: chr2-48033705-GCTAATCTCCCAGAGGAAGTTAT-G.
Other names: c.3897+209_3898-191del (NM_001406802.1); c.3527_3548del, p.Ala1176fs (NM_001281492.2); c.3011_3032del, p.Ala1004fs (NM_001281493.2, NM_001281494.2, NM_001406811.1 and 6 more transcripts); c.4013_4034del, p.Ala1338fs (NM_001406795.1); c.3917_3938del, p.Ala1306fs (NM_001406796.1, NM_001406808.1, NM_001406809.1); c.3620_3641del, p.Ala1207fs (NM_001406797.1, NM_001406801.1, NM_001406805.1 and 10 more transcripts); c.3743_3764del, p.Ala1248fs (NM_001406798.1); c.3392_3413del, p.Ala1131fs (NM_001406799.1, NM_001406806.1, NM_001406807.1); and 9 more; short protein forms A1018fs, A1176fs, A1280fs, A1308fs, A1338fs, A784fs, L1302fs, A1004fs.
Identifiers: ClinVar variation 5024887 (VCV005024887.1).